The following is an entry in ClinVar:

NM_015585.4(CFAP61):c.482C>G (p.Pro161Arg)

Gene: CFAP61 (cilia and flagella associated protein 61; plus strand). Cytogenetic location: 20p11.23.
Variant type: single nucleotide variant.
Coding change: c.482C>G on transcript NM_015585.4 (MANE Select); coding-DNA position 482, C replaced by G.
Protein change: p.Pro161Arg; replaces proline 161 with arginine.
Molecular consequence: missense variant.
Genome position (GRCh38, 1-based): chr20:20,075,531, C>G. VCF-style: chr20-20075531-C-G. GRCh37 (hg19) VCF-style: chr20-20056175-C-G.
Other names: c.482C>G, p.Pro161Arg (NM_001167816.1); short protein forms P161R.
Identifiers: ClinVar variation 4977384 (VCV004977384.1).
Genomic context (GRCh38, chr20:20,075,531, plus strand): 5'-TTTATCTCTGTGATTTAGGCTCAACTCTCATAACTGTTTTTGACCAAGTGGGGAACATCC[C>G]GTGTCTGACGTATGAGGAAGACTTTGCAGTGCATATATGTCACAGGCACAGCCACTATCC-3'
Protein context (NP_056400.3, residues 151-171): ITVFDQVGNI[Pro161Arg]CLTYEEDFAV

ClinVar aggregate classification (germline): Uncertain significance (1 of 4 stars; one submission).

Conditions:
CFAP61-related condition.

gnomAD v4.1: 4 of 1,613,992 alleles (0.00025%); highest among the groups gnomAD compares: East Asian, 0.0089%; no homozygotes.

Submission:

PreventionGenetics, part of Exact Sciences
Classification: Uncertain significance for CFAP61-related condition. Last evaluated: 2026-08-09. Review status: criteria provided, single submitter. Criteria: ACMG Guidelines, 2015. Collection method: clinical testing. Allele origin: germline.
Comment: The CFAP61 c.482C>G variant is predicted to result in the amino acid substitution p.Pro161Arg. To our knowledge, this variant has not been reported in the literature. This variant is reported in 0.022% of alleles in individuals of East Asian descent in gnomAD. At this time, the clinical significance of this variant is uncertain due to the absence of conclusive functional and genetic evidence.